The following is an entry in ClinVar:

ClinVar aggregate classification (germline): Pathogenic. Review status: criteria provided, multiple submitters, no conflicts (2 of 4 stars). 2 submissions from 2 submitters: Pathogenic (2). Last evaluated 2023-12-21.

Conditions:
Ehlers-Danlos syndrome, type 4 (EDSVASC). Also called: Ehlers-Danlos syndrome vascular type; Ehlers Danlos syndrome, ecchymotic type; Ehlers Danlos syndrome, arterial type; Ehlers Danlos syndrome, Sack-Barabas type; Ehlers-Danlos Syndrome Type IV. Identifiers: Orphanet 286, MedGen C0268338, MONDO:0017314, OMIM 130050.

Submissions (2):

Victorian Clinical Genetics Services, Murdoch Childrens Research Institute
Classification: Pathogenic for Ehlers-Danlos syndrome, type 4. Last evaluated: 2023-12-21. Review status: criteria provided, single submitter. Criteria: ACMG Guidelines, 2015. Collection method: clinical testing. Allele origin: germline. Inheritance: Autosomal dominant inheritance. Affected: yes.
Comment: Based on the classification scheme VCGS_Germline_v1.3.4, this variant is classified as Pathogenic. Following criteria are met: 0103 - Dominant negative and loss of function are known mechanisms of disease in this gene. Dominant negative is due to missense variants affecting glycine residues in the Gly-X-Y repeat within the triple helical region, while loss of function is due to null variants (PMID: 29346445). (I) 0108 - This gene is associated with both recessive and dominant disease. There is no clear genotype-phenotype correlation between autosomal dominant Ehlers-Danlos syndrome, vascular type (MIM#130050) and autosomal recessive polymicrogyria with or without vascular-type EDS (MIM#618343). (I) 0112 - The condition associated with this gene has incomplete penetrance. This is associated with COL3A1 null variants (PMID: 20301667). (I) 0115 - Variants in this gene are known to have variable expressivity. Significant inter- and intra-familial variability has been reported for the same pathogenic variants (PMID: 20301667). (I) 0211 - Canonical splice site variant without proven consequence on splicing (no functional evidence available). Skipping of the nearest exon was reported following RT-PCR analysis using sample from an individual with this variant (also known as c.793-2A>G, PMID: 10923041); however, the authors did not provide sequencing data to confirm the exon skipping. This abnormal splicing is expected to result in an inframe deletion, p.(Gly231_Pro248del), within the triple helical region (UniProt). (SP) 0251 - This variant is heterozygous. (I) 0301 - Variant is absent from gnomAD (both v2 and v3). (SP) 0505 - Abnormal splicing is predicted by in silico tools and affected nucleotide is highly conserved. (SP) 0704 - Another splice site variant comparable to the one identified in this case has limited previous evidence for pathogenicity. c.691-1G>A has been reported as pathogenic by a clinical testing laboratory (ClinVar). (SP) 0803 - This variant has limited previous evidence of pathogenicity in unrelated individuals. It has been reported as pathogenic by a clinical testing laboratory (ClinVar). It has also been reported in an individual with vascular type Ehlers-Danlos syndrome, where c.793-2A>G has been used as alternative variant nomenclature (PMID: 10923041). (SP) 0905 - No published segregation evidence has been identified for this variant. (I) 1002 - This variant has moderate functional evidence supporting abnormal protein function. Cultured dermal fibroblasts from a heterozygous individual showed trypsin sensitive and abnormal thermal stability of collagen III (PMID: 10923041). (SP) Legend: (SP) - Supporting pathogenic, (I) - Information, (SB) - Supporting benign

Labcorp Genetics (formerly Invitae), Labcorp
Classification: Pathogenic for Ehlers-Danlos syndrome, type 4. Last evaluated: 2019-10-13. Review status: criteria provided, single submitter. Criteria: Invitae Variant Classification Sherloc (09022015). Collection method: clinical testing. Allele origin: germline.
Comment: For these reasons, this variant has been classified as Pathogenic. Donor and acceptor splice site variants typically lead to a loss of protein function (PMID: 16199547), and loss-of-function variants in COL3A1 are known to be pathogenic (PMID: 24922459). Experimental studies have shown that this change results in exon 9 skipping (PMID: 10923041). Exon 9 is also known as exon 10 in the literature. This variant has been observed in an individual affected with Ehlers-Danlos syndrome (PMID: 10923041). This variant is also known as c.793 -2A>G in the literature. This variant is not present in population databases (ExAC no frequency). This sequence change affects an acceptor splice site in intron 8 of the COL3A1 gene. It is expected to disrupt RNA splicing and likely results in an absent or disrupted protein product.

Literature cited by the submitters: PubMed 10923041 (cited by Victorian Clinical Genetics Services, Murdoch Childrens Research Institute and Labcorp Genetics (formerly Invitae), Labcorp); PubMed 20301667 (cited by Victorian Clinical Genetics Services, Murdoch Childrens Research Institute); PubMed 29346445 (cited by Victorian Clinical Genetics Services, Murdoch Childrens Research Institute); PubMed 16199547 (cited by Labcorp Genetics (formerly Invitae), Labcorp); PubMed 24922459 (cited by Labcorp Genetics (formerly Invitae), Labcorp).

NM_000090.4(COL3A1):c.691-2A>G

Gene: COL3A1 (collagen type III alpha 1 chain; plus strand). Cytogenetic location: 2q32.2.
Variant type: single nucleotide variant.
Coding change: c.691-2A>G on transcript NM_000090.4 (MANE Select); the canonical splice acceptor site of the intron before coding-DNA position 691, A replaced by G.
Molecular consequence: splice acceptor variant.
Genome position (GRCh38, 1-based): chr2:188,990,094, A>G. VCF-style: chr2-188990094-A-G. GRCh37 (hg19) VCF-style: chr2-189854820-A-G.
Identifiers: ClinVar variation 651878 (VCV000651878.10), dbSNP rs1576463100, ClinGen allele CA349848939.
Genomic context (GRCh38, chr2:188,990,094, plus strand): 5'-TATTGGCTACAATGTATTTTCTCATACATGAGCACCTACGTATTCTTTATTTCTCTACCT[A>G]GGGAGAATCAGGTAGACCCGGACGACCTGGAGAGCGAGGATTGCCTGGACCTCCAGTGAG-3'